The following is an entry in ClinVar:

ClinVar aggregate classification (germline): Likely pathogenic. Review status: criteria provided, multiple submitters, no conflicts (2 of 4 stars). 2 submissions from 2 submitters: Likely pathogenic (2). Last evaluated 2021-03-02.

Conditions:
LRPPRC-related disorder. Also called: LRPPRC-related condition.

Submissions (2):

Blueprint Genetics
Classification: Likely pathogenic for LRPPRC-related disorders. Last evaluated: 2021-03-02. Review status: criteria provided, single submitter. Criteria: ACMG Guidelines, 2015. Collection method: clinical testing. Allele origin: germline. Affected: yes. Observed: 1 variant allele.

Labcorp Genetics (formerly Invitae), Labcorp
Classification: Likely pathogenic. Last evaluated: 2020-03-03. Review status: criteria provided, single submitter. Criteria: Invitae Variant Classification Sherloc (09022015). Collection method: clinical testing. Allele origin: germline.
Comment: This variant has not been reported in the literature in individuals with LRPPRC-related conditions. This variant is not present in population databases (ExAC no frequency). This sequence change affects a donor splice site in intron 33 of the LRPPRC gene. It is expected to disrupt RNA splicing and likely results in an absent or disrupted protein product. Algorithms developed to predict the effect of sequence changes on RNA splicing suggest that this variant may disrupt the consensus splice site, but this prediction has not been confirmed by published transcriptional studies. In summary, the currently available evidence indicates that the variant is pathogenic, but additional data are needed to prove that conclusively. Therefore, this variant has been classified as Likely Pathogenic. Donor and acceptor splice site variants typically lead to a loss of protein function (PMID: 16199547), and loss-of-function variants in LRPPRC are known to be pathogenic (PMID: 26510951).

Literature cited by the submitters: PubMed 16199547 (cited by Labcorp Genetics (formerly Invitae), Labcorp); PubMed 26510951 (cited by Labcorp Genetics (formerly Invitae), Labcorp).

NM_133259.4(LRPPRC):c.3709+1G>A

Gene: LRPPRC (leucine rich pentatricopeptide repeat containing; minus strand). Cytogenetic location: 2p21.
Variant type: single nucleotide variant.
Coding change: c.3709+1G>A on transcript NM_133259.4 (MANE Select); the canonical splice donor site of the intron after coding-DNA position 3709, G replaced by A.
Molecular consequence: splice donor variant.
Genome position (GRCh38, 1-based): chr2:43,899,465, C>T on the plus strand (G>A on the coding strand, the complement: LRPPRC is on the minus strand). VCF-style: chr2-43899465-C-T. GRCh37 (hg19) VCF-style: chr2-44126604-C-T.
Identifiers: ClinVar variation 1065912 (VCV001065912.9), dbSNP rs1572894465, ClinGen allele CA346676784.
Genomic context (GRCh38, chr2:43,899,465, plus strand): 5'-GTCTAGTCTCACTAGAGAGAAAATGTGCTTGTGTGTTCTTTAGCACAAACAACTAACTTA[C>T]TCTTTTCAACTGCTGGTTCCAACTGCTCCTCTATTACTTTTCTGAATAAGTATGCCAAGC-3'